The following is an entry in ClinVar:

ClinVar aggregate classification (germline): Uncertain significance (1 of 4 stars; one submission).

Conditions:
Cardiovascular phenotype. Identifiers: MedGen CN230736.

Submission:

Ambry Genetics
Classification: Uncertain significance for Cardiovascular phenotype. Last evaluated: 2026-09-10. Review status: criteria provided, single submitter. Criteria: Ambry Variant Classification Scheme 2023. Collection method: clinical testing. Allele origin: germline.
Comment: The c.92-3C>T intronic variant results from a C to T substitution 3 nucleotides upstream from coding exon 2 in the TTN gene. This exon is located in the Z-disk region of the N2-B isoform of the titin protein and is constitutively expressed in TTN transcripts (percent spliced in or PSI 100%). This nucleotide position is well conserved in available vertebrate species. In silico splice site analysis predicts that this alteration will not have any significant effect on splicing. Based on the available evidence, the clinical significance of this variant remains unclear.

NM_001267550.2(TTN):c.92-3C>T

Gene: TTN (titin; minus strand). Cytogenetic location: 2q31.2.
Variant type: single nucleotide variant.
Coding change: c.92-3C>T on transcript NM_001267550.2 (MANE Select); 3 bases into the intron before coding-DNA position 92, C replaced by T.
Molecular consequence: intron variant.
Genome position (GRCh38, 1-based): chr2:178,802,344, G>A on the plus strand (C>T on the coding strand, the complement: TTN is on the minus strand). VCF-style: chr2-178802344-G-A. GRCh37 (hg19) VCF-style: chr2-179667071-G-A.
Other names: c.92-3C>T (NM_003319.4, NM_133437.4, NM_133432.3 and 3 more transcripts).
Identifiers: ClinVar variation 5031440 (VCV005031440.1).
Genomic context (GRCh38, chr2:178,802,344, plus strand): 5'-GTGGAAGTGGAAATCACCTGGCCATCCCTAAACCAGCTCACCTCAGGAACTGGAAAACCT[G>A]AAGAGCAAGAACAATTCACCTTTATGTTTGAATGGGCACCACAAAGTCCTCTGCTCTGTC-3'